The following is an entry in ClinVar:

ClinVar aggregate classification (germline): Conflicting classifications of pathogenicity. Review status: criteria provided, conflicting classifications (1 of 4 stars). 3 submissions from 3 submitters: Uncertain significance (2); Likely benign (1). Last evaluated 2025-04-09.

Conditions:
Dilated cardiomyopathy 1G (CMD1G). Identifiers: Orphanet 154, MedGen C1858763, MONDO:0011400, OMIM 604145.
Autosomal recessive limb-girdle muscular dystrophy type 2J (LGMDR10). Also called: Limb-girdle muscular dystrophy, type 2J; MUSCULAR DYSTROPHY, LIMB-GIRDLE, AUTOSOMAL RECESSIVE 10. Identifiers: Orphanet 140922, MedGen C1837342, MONDO:0012127, OMIM 608807.

Allele frequency attached by ClinVar (database versions not stated): gnomAD 0.00001; TOPMed 0.00001.
gnomAD v4.1: 2 of 1,613,898 alleles (0.00012%); highest among the groups gnomAD compares: African/African-American, 0.0027%; no homozygotes.

Submissions (3):

Molecular Diagnostic Laboratory for Inherited Cardiovascular Disease, Montreal Heart Institute
Classification: Likely benign. Last evaluated: 2025-04-09. Review status: criteria provided, single submitter. Criteria: ACMG Guidelines, 2015. Collection method: clinical testing. Allele origin: germline. Affected: no.

Women's Health and Genetics/Laboratory Corporation of America, LabCorp
Classification: Uncertain significance. Last evaluated: 2024-10-06. Review status: criteria provided, single submitter. Criteria: LabCorp Variant Classification Summary - May 2015. Collection method: clinical testing. Allele origin: germline.

Labcorp Genetics (formerly Invitae), Labcorp
Classification: Uncertain significance for Dilated cardiomyopathy 1G; Autosomal recessive limb-girdle muscular dystrophy type 2J. Last evaluated: 2024-04-23. Review status: criteria provided, single submitter. Criteria: Invitae Variant Classification Sherloc (09022015). Collection method: clinical testing. Allele origin: germline.
Comment: This sequence change replaces serine, which is neutral and polar, with cysteine, which is neutral and slightly polar, at codon 34711 of the TTN protein (p.Ser34711Cys). This variant is not present in population databases (gnomAD no frequency). This variant has not been reported in the literature in individuals affected with TTN-related conditions. ClinVar contains an entry for this variant (Variation ID: 1518719). Experimental studies and prediction algorithms are not available or were not evaluated, and the functional significance of this variant is currently unknown. This variant is located in the M band of TTN (PMID: 25589632). Non-truncating variants in this region may be relevant for neuromuscular disorders, but have not been definitively shown to cause cardiomyopathy (PMID: 23975875). In summary, the available evidence is currently insufficient to determine the role of this variant in disease. Therefore, it has been classified as a Variant of Uncertain Significance.

Literature cited by the submitters: PubMed 25589632 (cited by Labcorp Genetics (formerly Invitae), Labcorp); PubMed 23975875 (cited by Labcorp Genetics (formerly Invitae), Labcorp).

NM_001267550.2(TTN):c.104132C>G (p.Ser34711Cys)

Genes: TTN (titin; minus strand), TTN-AS1 (TTN antisense RNA 1; plus strand). Cytogenetic location: 2q31.2.
Variant type: single nucleotide variant.
Coding change: c.104132C>G on transcript NM_001267550.2 (MANE Select); coding-DNA position 104132, C replaced by G.
Protein change: p.Ser34711Cys; replaces serine 34711 with cysteine.
Molecular consequence: missense variant.
Genome position (GRCh38, 1-based): chr2:178,532,483, G>C on the plus strand (C>G on the coding strand, the complement: TTN is on the minus strand). VCF-style: chr2-178532483-G-C. GRCh37 (hg19) VCF-style: chr2-179397210-G-C.
Other names: c.99209C>G, p.Ser33070Cys (NM_001256850.1); c.76937C>G, p.Ser25646Cys (NM_003319.4); c.96428C>G, p.Ser32143Cys (NM_133378.4); c.77312C>G, p.Ser25771Cys (NM_133432.3); c.77513C>G, p.Ser25838Cys (NM_133437.4); short protein forms S32143C, S33070C, S34711C, S25838C, S25646C, S25771C.
Identifiers: ClinVar variation 1518719 (VCV001518719.8), dbSNP rs767826322, ClinGen allele CA349412400.